The following is an entry in ClinVar:

ClinVar aggregate classification (germline): Uncertain significance (1 of 4 stars; one submission).

Conditions:
Hereditary cancer-predisposing syndrome. Also called: Hereditary Cancer Syndrome; Tumor predisposition; Hereditary neoplastic syndrome; Neoplastic Syndromes, Hereditary. Identifiers: Orphanet 140162, MedGen C0027672, MeSH D009386, MONDO:0015356.

Submission:

Labcorp Genetics (formerly Invitae), Labcorp
Classification: Uncertain significance for Hereditary cancer-predisposing syndrome. Last evaluated: 2020-02-24. Review status: criteria provided, single submitter. Criteria: Invitae Variant Classification Sherloc (09022015). Collection method: clinical testing. Allele origin: germline.
Comment: In summary, the available evidence is currently insufficient to determine the role of this variant in disease. Therefore, it has been classified as a Variant of Uncertain Significance. This sequence change replaces alanine with glycine at codon 1131 of the RAD50 protein (p.Ala1131Gly). The alanine residue is moderately conserved and there is a small physicochemical difference between alanine and glycine. This variant is not present in population databases (ExAC no frequency). This variant has not been reported in the literature in individuals with RAD50-related conditions. Algorithms developed to predict the effect of missense changes on protein structure and function are either unavailable or do not agree on the potential impact of this missense change (SIFT: "Deleterious"; PolyPhen-2: "Probably Damaging"; Align-GVGD: "Class C0").

NM_005732.4(RAD50):c.3392C>G (p.Ala1131Gly)

Genes: RAD50 (RAD50 double strand break repair protein; plus strand), TH2-LCR (Th2 cytokine locus control region; plus strand), TH2LCRR (T helper type 2 locus control region associated RNA; minus strand). Cytogenetic location: 5q31.1.
Variant type: single nucleotide variant.
Coding change: c.3392C>G on transcript NM_005732.4 (MANE Select); coding-DNA position 3392, C replaced by G.
Protein change: p.Ala1131Gly; replaces alanine 1131 with glycine.
Molecular consequence: missense variant.
Genome position (GRCh38, 1-based): chr5:132,637,117, C>G. VCF-style: chr5-132637117-C-G. GRCh37 (hg19) VCF-style: chr5-131972809-C-G.
Other names: short protein forms A1131G.
Identifiers: ClinVar variation 1057002 (VCV001057002.9), dbSNP rs1751595703, ClinGen allele CA360929664.